The following is an entry in ClinVar:

NM_177438.3(DICER1):c.5483A>T (p.Glu1828Val)

Gene: DICER1 (dicer 1, ribonuclease III; minus strand). Cytogenetic location: 14q32.13.
Variant type: single nucleotide variant.
Coding change: c.5483A>T on transcript NM_177438.3 (MANE Select); coding-DNA position 5483, A replaced by T.
Protein change: p.Glu1828Val; replaces glutamic acid 1828 with valine.
Molecular consequence: missense variant. On other transcripts: intron variant (1).
Genome position (GRCh38, 1-based): chr14:95,091,247, T>A on the plus strand (A>T on the coding strand, the complement: DICER1 is on the minus strand). VCF-style: chr14-95091247-T-A. GRCh37 (hg19) VCF-style: chr14-95557584-T-A.
Other names: c.5483A>T, p.Glu1828Val (NM_001271282.3, NM_001291628.2, NM_030621.4); c.5365-138A>T (NM_001195573.1); short protein forms E1828V.
Identifiers: ClinVar variation 1022345 (VCV001022345.11), dbSNP rs1889796527, ClinGen allele CA390864555.

ClinVar aggregate classification (germline): Uncertain significance. Review status: criteria provided, multiple submitters, no conflicts (2 of 4 stars). 2 submissions from 2 submitters: Uncertain significance (2). Last evaluated 2024-02-16.

Conditions:
Global developmental delay - lung cysts - overgrowth - Wilms tumor syndrome. Also called: GLOW Syndrome; GLOBAL DEVELOPMENTAL DELAY, LUNG CYSTS, OVERGROWTH, AND WILMS TUMOR. Identifiers: Orphanet 404476, MedGen C4748924, MONDO:0018445, OMIM 618272.
DICER1-related tumor predisposition. Also called: DICER1 syndrome; DICER1-related pleuropulmonary blastoma cancer predisposition syndrome. Identifiers: Orphanet 284343, MedGen C3839822, MONDO:0100216.

Submissions (2):

Baylor Genetics
Classification: Uncertain significance for Global developmental delay - lung cysts - overgrowth - Wilms tumor syndrome. Last evaluated: 2024-02-16. Review status: criteria provided, single submitter. Criteria: ACMG Guidelines, 2015. Collection method: clinical testing. Allele origin: unknown.

Labcorp Genetics (formerly Invitae), Labcorp
Classification: Uncertain significance for DICER1-related tumor predisposition. Last evaluated: 2020-01-14. Review status: criteria provided, single submitter. Criteria: Invitae Variant Classification Sherloc (09022015). Collection method: clinical testing. Allele origin: germline.
Comment: This variant has not been reported in the literature in individuals with DICER1-related conditions. This variant is not present in population databases (ExAC no frequency). This sequence change replaces glutamic acid with valine at codon 1828 of the DICER1 protein (p.Glu1828Val). The glutamic acid residue is highly conserved and there is a moderate physicochemical difference between glutamic acid and valine. In summary, the available evidence is currently insufficient to determine the role of this variant in disease. Therefore, it has been classified as a Variant of Uncertain Significance. Algorithms developed to predict the effect of sequence changes on RNA splicing suggest that this variant may create or strengthen a splice site, but this prediction has not been confirmed by published transcriptional studies. Algorithms developed to predict the effect of missense changes on protein structure and function (SIFT, PolyPhen-2, Align-GVGD) all suggest that this variant is likely to be disruptive, but these predictions have not been confirmed by published functional studies and their clinical significance is uncertain.